The following is an entry in ClinVar:

ClinVar aggregate classification (germline): Conflicting classifications of pathogenicity. Review status: criteria provided, conflicting classifications (1 of 4 stars). 2 submissions from 2 submitters: Uncertain significance (1); Likely benign (1). Last evaluated 2024-12-07.

Conditions:
Inborn genetic diseases. Identifiers: MedGen C0950123, MeSH D030342.
Nance-Horan syndrome (NHS). Identifiers: Orphanet 627, MedGen C0796085, MONDO:0010545, OMIM 302350.

Allele frequency attached by ClinVar (database versions not stated): gnomAD exomes below 0.00001; gnomAD 0.00001; TOPMed 0.00002.
gnomAD v4.1: 5 of 1,209,508 alleles (0.00041%); highest among the groups gnomAD compares: East Asian, 0.012%; no homozygotes.

Submissions (2):

Labcorp Genetics (formerly Invitae), Labcorp
Classification: Uncertain significance for Nance-Horan syndrome. Last evaluated: 2024-12-07. Review status: criteria provided, single submitter. Criteria: Invitae Variant Classification Sherloc (09022015). Collection method: clinical testing. Allele origin: germline.
Comment: This sequence change replaces proline, which is neutral and non-polar, with alanine, which is neutral and non-polar, at codon 1108 of the NHS protein (p.Pro1108Ala). This variant is present in population databases (no rsID available, gnomAD 0.03%), including at least one homozygous and/or hemizygous individual. This variant has not been reported in the literature in individuals affected with NHS-related conditions. ClinVar contains an entry for this variant (Variation ID: 2194435). An algorithm developed to predict the effect of missense changes on protein structure and function (PolyPhen-2) suggests that this variant is likely to be tolerated. In summary, the available evidence is currently insufficient to determine the role of this variant in disease. Therefore, it has been classified as a Variant of Uncertain Significance.

Ambry Genetics
Classification: Likely benign for Inborn genetic diseases. Last evaluated: 2024-01-29. Review status: criteria provided, single submitter. Criteria: Ambry Variant Classification Scheme 2023. Collection method: clinical testing. Allele origin: germline.

NM_001291867.2(NHS):c.3385C>G (p.Pro1129Ala)

Gene: NHS (NHS actin remodeling regulator; plus strand). Cytogenetic location: Xp22.13.
Variant type: single nucleotide variant.
Coding change: c.3385C>G on transcript NM_001291867.2 (MANE Select); coding-DNA position 3385, C replaced by G.
Protein change: p.Pro1129Ala; replaces proline 1129 with alanine.
Molecular consequence: missense variant.
Genome position (GRCh38, 1-based): chrX:17,727,491, C>G. VCF-style: chrX-17727491-C-G. GRCh37 (hg19) VCF-style: chrX-17745611-C-G.
Other names: c.2854C>G, p.Pro952Ala (NM_001136024.4); c.2791C>G, p.Pro931Ala (NM_001291868.2); c.3322C>G, p.Pro1108Ala (NM_198270.4); c.3322C>G (NM_198270.2); short protein forms P1108A, P1129A, P931A, P952A.
Identifiers: ClinVar variation 2194435 (VCV002194435.5), dbSNP rs1216332385, ClinGen allele CA412363947.